The following is an entry in ClinVar:

ClinVar aggregate classification (germline): Uncertain significance (1 of 4 stars; one submission).

Allele frequency attached by ClinVar (database versions not stated): gnomAD 0.00005; gnomAD exomes 0.00005; TOPMed 0.00005; ExAC 0.00019.

Submission:

CeGaT Center for Human Genetics Tuebingen
Classification: Uncertain significance. Last evaluated: 2022-09-01. Review status: criteria provided, single submitter. Criteria: CeGaT Center For Human Genetics Tuebingen Variant Classification Criteria Version 2. Collection method: clinical testing. Allele origin: germline. Affected: yes. Observed: 1 variant allele.
Comment: PYGL: PM2:Supporting, PP3

NC_000014.9:g.50858108A>T

Gene: PYGL (glycogen phosphorylase L; minus strand). Cytogenetic location: 14q22.1.
Variant type: single nucleotide variant.
Genome position: GRCh38 VCF-style: chr14-50858108-A-T. GRCh37 (hg19) VCF-style: chr14-51324826-A-T.
Identifiers: ClinVar variation 1711371 (VCV001711371.30), dbSNP rs770977861, ClinGen allele CA7182671.